The following is an entry in ClinVar:

ClinVar aggregate classification (germline): Likely benign. Review status: criteria provided, single submitter (1 of 4 stars). 2 submissions from 2 submitters: Likely benign (1). 1 of the submissions does not count toward it. Last evaluated 2025-04-04.

Conditions:
BLTP1-related disorder. Also called: BLTP1-related condition.

Allele frequency attached by ClinVar (database versions not stated): 1000 Genomes Project 30x 0.00094; 1000 Genomes Project 0.00080; ESP Exome Variant Server 0.00117.
gnomAD v4.1: 241 of 1,606,234 alleles (0.015%); highest among the groups gnomAD compares: African/African-American, 0.29%; 2 homozygotes.

Submissions (2):

Ambry Genetics
Classification: Likely benign. Last evaluated: 2025-04-04. Review status: criteria provided, single submitter. Criteria: Ambry Variant Classification Scheme 2023. Collection method: clinical testing. Allele origin: germline.

PreventionGenetics, part of Exact Sciences
Classification: Likely benign for BLTP1-related condition. Last evaluated: 2022-05-09. Review status: no assertion criteria provided. Collection method: clinical testing. Allele origin: germline. Not counted in ClinVar's aggregate classification.
Comment: This variant is classified as likely benign based on ACMG/AMP sequence variant interpretation guidelines (Richards et al. 2015 PMID: 25741868, with internal and published modifications).

NM_001384125.1(BLTP1):c.5126C>T (p.Thr1709Ile)

Gene: BLTP1 (bridge-like lipid transfer protein family member 1; plus strand). Cytogenetic location: 4q27.
Variant type: single nucleotide variant.
Coding change: c.5126C>T on transcript NM_001384125.1 (MANE Select); coding-DNA position 5126, C replaced by T.
Protein change: p.Thr1709Ile; replaces threonine 1709 with isoleucine.
Molecular consequence: missense variant.
Genome position (GRCh38, 1-based): chr4:122,246,240, C>T. VCF-style: chr4-122246240-C-T. GRCh37 (hg19) VCF-style: chr4-123167395-C-T.
Other names: c.5126C>T, p.Thr1709Ile (NM_015312.4); short protein forms T1709I.
Identifiers: ClinVar variation 3048156 (VCV003048156.3), dbSNP rs186259238, ClinGen allele CA3066535.
Genomic context (GRCh38, chr4:122,246,240, plus strand): 5'-CAAAAACTGAGCAGTCTACAATAGGAACGACTAACCAAGGACAAGCACAGACAAATCTTA[C>T]AATGAAGCAAGATAATGTAACAATTAAAGGTCTTCAGACTAATGTTAGCATACCAAAGGT-3'
Protein context (NP_001371054.1, residues 1699-1719): TNQGQAQTNL[Thr1709Ile]MKQDNVTIKG